The following is an entry in ClinVar:

ClinVar aggregate classification (germline): Uncertain significance (1 of 4 stars; one submission).

gnomAD v4.1: 24 of 1,613,020 alleles (0.0015%); highest among the groups gnomAD compares: Non-Finnish European, 0.0018%; no homozygotes.

Submission:

Labcorp Genetics (formerly Invitae), Labcorp
Classification: Uncertain significance. Last evaluated: 2025-06-09. Review status: criteria provided, single submitter. Criteria: Invitae Variant Classification Sherloc (09022015). Collection method: clinical testing. Allele origin: germline.
Comment: This sequence change replaces glutamic acid, which is acidic and polar, with lysine, which is basic and polar, at codon 492 of the LIPG protein (p.Glu492Lys). This variant is present in population databases (rs149912926, gnomAD 0.003%). This variant has not been reported in the literature in individuals affected with LIPG-related conditions. An algorithm developed to predict the effect of missense changes on protein structure and function outputs the following: PolyPhen-2: "Benign". The lysine amino acid residue is found in multiple mammalian species, which suggests that this missense change does not adversely affect protein function. In summary, the available evidence is currently insufficient to determine the role of this variant in disease. Therefore, it has been classified as a Variant of Uncertain Significance.

NM_006033.4(LIPG):c.1474G>A (p.Glu492Lys)

Gene: LIPG (lipase G, endothelial type; plus strand). Cytogenetic location: 18q21.1.
Variant type: single nucleotide variant.
Coding change: c.1474G>A on transcript NM_006033.4 (MANE Select); coding-DNA position 1474, G replaced by A.
Protein change: p.Glu492Lys; replaces glutamic acid 492 with lysine.
Molecular consequence: missense variant.
Genome position (GRCh38, 1-based): chr18:49,586,843, G>A. VCF-style: chr18-49586843-G-A. GRCh37 (hg19) VCF-style: chr18-47113213-G-A.
Other names: c.1252G>A, p.Glu418Lys (NM_001308006.2); short protein forms E492K, E418K.
Identifiers: ClinVar variation 4696843 (VCV004696843.1).